The following is an entry in ClinVar:

NM_000512.5(GALNS):c.708del (p.His236fs)

Gene: GALNS (galactosamine (N-acetyl)-6-sulfatase; minus strand). Cytogenetic location: 16q24.3.
Variant type: Deletion.
Coding change: c.708del on transcript NM_000512.5 (MANE Select); coding-DNA position 708, one base deleted (C; older notation c.708delC).
Protein change: p.His236fs; shifts the reading frame from histidine 236.
Molecular consequence: frameshift variant.
Genome position (GRCh38, 1-based): chr16:88,835,775, G deleted on the plus strand (C on the coding strand, the reverse complement: GALNS is on the minus strand). VCF-style (leftmost placement, unchanged base first): chr16-88835774-CG-C. GRCh37 (hg19) VCF-style: chr16-88902182-CG-C.
Other names: c.153del, p.His51fs (NM_001323543.2); c.726del, p.His242fs (NM_001323544.2); short protein forms H236fs, H242fs, H51fs.
Identifiers: ClinVar variation 1048204 (VCV001048204.3), dbSNP rs2143001400, ClinGen allele CA915941046.

ClinVar aggregate classification (germline): Pathogenic (1 of 4 stars; one submission).

Conditions:
Mucopolysaccharidosis, MPS-IV-A (MPS4A). Also called: Mucopolysaccharidosis type IV A; Mucopolysaccharidosis Type IVA; Morquio syndrome A, mild; MORQUIO SYNDROME A; MPS IVA; mucopolysaccharidosis type 4A. Identifiers: Orphanet 309297, Orphanet 582, MedGen C0086651, MONDO:0009659, OMIM 253000.

Submission:

Laboratory of Diagnosis and Therapy of Lysosomal Disorders, University of Padova
Classification: Pathogenic for Mucopolysaccharidosis, MPS-IV-A. Last evaluated: 2021-02-01. Review status: criteria provided, single submitter. Criteria: ACMG Guidelines, 2015. Collection method: curation. Allele origin: germline. Affected: yes.
Comment: Frameshift variant (PVS1_very strong); located in a mutational hot spot and/or critical and well-established functional domain without benign variation (PM1_moderate); absent from gnomAD v2.1.1 (PM2_moderate)

Literature cited by the submitters: PubMed 12442278; PubMed 34387910.